The following is an entry in ClinVar:

NC_000002.11:g.(?_223066643)_(223520792_?)dup

Genes: CCDC140 (CCDC140 long non-coding RNA; plus strand), FARSB (phenylalanyl-tRNA synthetase subunit beta; minus strand), PAX3 (paired box 3; minus strand), SGPP2 (sphingosine-1-phosphate phosphatase 2; plus strand). Cytogenetic location: 2q36.1.
Variant type: Duplication.
Identifiers: ClinVar variation 3247534 (VCV003247534.1).

ClinVar aggregate classification (germline): Uncertain significance (1 of 4 stars; one submission).

Submission:

Labcorp Genetics (formerly Invitae), Labcorp
Classification: Uncertain significance. Last evaluated: 2023-12-11. Review status: criteria provided, single submitter. Criteria: Invitae Variant Classification Sherloc (09022015). Collection method: clinical testing. Allele origin: unknown.
Comment: A copy number gain of the genomic region encompassing the full coding sequence of the FARSB gene has been identified. The boundaries of this event are unknown as they extend beyond the assayed region for this gene and therefore may encompass additional genes. As the precise location of this event is unknown, it may be in tandem or it may be located elsewhere in the genome. This variant has not been reported in the literature in individuals affected with FARSB-related conditions. In summary, the available evidence is currently insufficient to determine the role of this variant in disease. Therefore, it has been classified as a Variant of Uncertain Significance.